The following is an entry in ClinVar:

ClinVar aggregate classification (germline): Pathogenic (1 of 4 stars; one submission).

Conditions:
Hereditary cancer-predisposing syndrome. Also called: Hereditary Cancer Syndrome; Neoplastic Syndromes, Hereditary; Tumor predisposition; Hereditary neoplastic syndrome. Identifiers: Orphanet 140162, MedGen C0027672, MeSH D009386, MONDO:0015356.

Submission:

Ambry Genetics
Classification: Pathogenic for Hereditary cancer-predisposing syndrome. Last evaluated: 2017-09-15. Review status: criteria provided, single submitter. Criteria: Ambry Variant Classification Scheme 2023. Collection method: clinical testing. Allele origin: germline.
Comment: The c.388delG pathogenic mutation, located in coding exon 2 of the VHL gene, results from a deletion of one nucleotide at nucleotide position 388, causing a translational frameshift with a predicted alternate stop codon (p.V130Lfs*29). This alteration is expected to result in loss of function by premature protein truncation. As such, this alteration is interpreted as a disease-causing mutation.

NM_000551.4(VHL):c.388del (p.Val130fs)

Genes: VHL (von Hippel-Lindau tumor suppressor; plus strand), LOC107303340 (3p25 von Hippel-Lindau tumor suppressor, E3 ubiquitin protein ligase Alu-mediated recombination region; plus strand). Cytogenetic location: 3p25.3.
Variant type: Deletion.
Coding change: c.388del on transcript NM_000551.4 (MANE Select); coding-DNA position 388, one base deleted (G; older notation c.388delG).
Protein change: p.Val130fs; shifts the reading frame from valine 130.
Molecular consequence: frameshift variant. On other transcripts: intron variant (2).
Genome position (GRCh38, 1-based): chr3:10,146,561, G deleted; the last of 2 consecutive G bases (chr3:10,146,560-10,146,561); deleting either gives the same sequence. VCF-style (leftmost placement, unchanged base first): chr3-10146559-TG-T. GRCh37 (hg19) VCF-style: chr3-10188243-TG-T.
Other names: c.*18-3226del (NM_001354723.2); c.341-3226del (NM_198156.3); c.388delG (NM_000551.3); short protein forms V130fs.
Identifiers: ClinVar variation 480868 (VCV000480868.5), dbSNP rs1553619957, ClinGen allele CA658655751.
Genomic context (GRCh38, chr3:10,146,559, plus strand): 5'-TGCTTGTCCCGATAGGTCACCTTTGGCTCTTCAGAGATGCAGGGACACACGATGGGCTTC[TG>T]GTTAACCAAACTGAATTATTTGTGCCATCTCTCAATGTTGACGGACAGCCTATTTTTGCC-3'